The following is an entry in ClinVar:

NM_004082.5(DCTN1):c.1284G>C (p.Glu428Asp)

Gene: DCTN1 (dynactin subunit 1; minus strand). Cytogenetic location: 2p13.1.
Variant type: single nucleotide variant.
Coding change: c.1284G>C on transcript NM_004082.5 (MANE Select); coding-DNA position 1284, G replaced by C.
Protein change: p.Glu428Asp; replaces glutamic acid 428 with aspartic acid.
Molecular consequence: missense variant. On other transcripts: non-coding transcript variant (1).
Genome position (GRCh38, 1-based): chr2:74,370,189, C>G on the plus strand (G>C on the coding strand, the complement: DCTN1 is on the minus strand). VCF-style: chr2-74370189-C-G. GRCh37 (hg19) VCF-style: chr2-74597316-C-G.
Other names: c.1224G>C, p.Glu408Asp (NM_001135040.3); c.882G>C, p.Glu294Asp (NM_001135041.3, NM_023019.4); c.1173G>C, p.Glu391Asp (NM_001190836.2); c.1263G>C, p.Glu421Asp (NM_001190837.2); c.1233G>C, p.Glu411Asp (NM_001378991.1); c.1215G>C, p.Glu405Asp (NM_001378992.1); short protein forms E294D, E391D, E405D, E408D, E411D, E421D, E428D.
Identifiers: ClinVar variation 4534572 (VCV004534572.6).
Genomic context (GRCh38, chr2:74,370,189, plus strand): 5'-TCAACTGATAGGAGAGTCAGGTGGGGGATTCTGGGTGAGGGGCTGGGCTCCCCAGACCTG[C>G]TCCTTGAGCTCATCAATGGTGCTCTCTGCCTGGCTTAGCTCCTCCTGCAGACGCTCCCGC-3'
Protein context (NP_004073.2, residues 418-438): QAESTIDELK[Glu428Asp]QVDAALGAEE

ClinVar aggregate classification (germline): Uncertain significance (1 of 4 stars; one submission).

Submission:

CeGaT Center for Human Genetics Tuebingen
Classification: Uncertain significance. Last evaluated: 2026-01-01. Review status: criteria provided, single submitter. Criteria: CeGaT Center For Human Genetics Tuebingen Variant Classification Criteria Version 2. Collection method: clinical testing. Allele origin: germline. Affected: yes. Observed: 1 variant allele.
Comment: DCTN1: PM2